The following is an entry in ClinVar:

NM_005591.4(MRE11):c.581T>C (p.Val194Ala)

Gene: MRE11 (MRE11 double strand break repair nuclease; minus strand). Cytogenetic location: 11q21.
Variant type: single nucleotide variant.
Coding change: c.581T>C on transcript NM_005591.4 (MANE Select); coding-DNA position 581, T replaced by C.
Protein change: p.Val194Ala; replaces valine 194 with alanine.
Molecular consequence: missense variant.
Genome position (GRCh38, 1-based): chr11:94,476,367, A>G on the plus strand (T>C on the coding strand, the complement: MRE11 is on the minus strand). VCF-style: chr11-94476367-A-G. GRCh37 (hg19) VCF-style: chr11-94209533-A-G.
Other names: c.581T>C, p.Val194Ala (NM_001330347.2, NM_005590.4); short protein forms V194A.
Identifiers: ClinVar variation 937427 (VCV000937427.9), dbSNP rs1946855902, ClinGen allele CA382376921.

ClinVar aggregate classification (germline): Uncertain significance (1 of 4 stars; one submission).

Conditions:
Ataxia-telangiectasia-like disorder (ATLD). Identifiers: MedGen C1858391, MONDO:0011457.

Submission:

Labcorp Genetics (formerly Invitae), Labcorp
Classification: Uncertain significance for Ataxia-telangiectasia-like disorder. Last evaluated: 2022-07-19. Review status: criteria provided, single submitter. Criteria: Invitae Variant Classification Sherloc (09022015). Collection method: clinical testing. Allele origin: germline.
Comment: In summary, the available evidence is currently insufficient to determine the role of this variant in disease. Therefore, it has been classified as a Variant of Uncertain Significance. Algorithms developed to predict the effect of missense changes on protein structure and function (SIFT, PolyPhen-2, Align-GVGD) all suggest that this variant is likely to be tolerated. ClinVar contains an entry for this variant (Variation ID: 937427). This variant has not been reported in the literature in individuals affected with MRE11-related conditions. This variant is not present in population databases (gnomAD no frequency). This sequence change replaces valine, which is neutral and non-polar, with alanine, which is neutral and non-polar, at codon 194 of the MRE11 protein (p.Val194Ala).